The following is an entry in ClinVar:

NM_006904.7(PRKDC):c.1573A>G (p.Lys525Glu)

Gene: PRKDC (protein kinase, DNA-activated, catalytic subunit; minus strand). Cytogenetic location: 8q11.21.
Variant type: single nucleotide variant.
Coding change: c.1573A>G on transcript NM_006904.7 (MANE Select); coding-DNA position 1573, A replaced by G.
Protein change: p.Lys525Glu; replaces lysine 525 with glutamic acid.
Molecular consequence: missense variant.
Genome position (GRCh38, 1-based): chr8:47,934,015, T>C on the plus strand (A>G on the coding strand, the complement: PRKDC is on the minus strand). VCF-style: chr8-47934015-T-C. GRCh37 (hg19) VCF-style: chr8-48846575-T-C.
Other names: c.1573A>G, p.Lys525Glu (NM_001081640.2); short protein forms K525E.
Identifiers: ClinVar variation 2624583 (VCV002624583.2), dbSNP rs1435530411, ClinGen allele CA371165358.

ClinVar aggregate classification (germline): Uncertain significance (1 of 4 stars; one submission).

Allele frequency attached by ClinVar (database versions not stated): gnomAD exomes below 0.00001; TOPMed below 0.00001.
gnomAD v4.1: 6 of 1,613,650 alleles (0.00037%); highest among the groups gnomAD compares: Admixed American, 0.005%; no homozygotes.

Submission:

Ambry Genetics
Classification: Uncertain significance. Last evaluated: 2023-08-31. Review status: criteria provided, single submitter. Criteria: Ambry Variant Classification Scheme 2023. Collection method: clinical testing. Allele origin: germline.
Comment: The p.K525E variant (also known as c.1573A>G), located in coding exon 15 of the PRKDC gene, results from an A to G substitution at nucleotide position 1573. The lysine at codon 525 is replaced by glutamic acid, an amino acid with similar properties. This amino acid position is conserved. In addition, this alteration is predicted to be tolerated by in silico analysis. Since supporting evidence is limited at this time, the clinical significance of this alteration remains unclear.